The following is an entry in ClinVar:

NM_052854.4(CREB3L1):c.651C>T (p.Asp217=)

Gene: CREB3L1 (cAMP responsive element binding protein 3 like 1; plus strand). Cytogenetic location: 11p11.2.
Variant type: single nucleotide variant.
Coding change: c.651C>T on transcript NM_052854.4 (MANE Select); coding-DNA position 651, C replaced by T.
Protein change: p.Asp217=; no amino-acid change (aspartic acid 217 retained).
Molecular consequence: synonymous variant.
Genome position (GRCh38, 1-based): chr11:46,311,087, C>T. VCF-style: chr11-46311087-C-T. GRCh37 (hg19) VCF-style: chr11-46332638-C-T.
Identifiers: ClinVar variation 715823 (VCV000715823.25), dbSNP rs372951534, ClinGen allele CA5961654.

ClinVar aggregate classification (germline): Likely benign. Review status: criteria provided, multiple submitters, no conflicts (2 of 4 stars). 4 submissions from 4 submitters: Likely benign (4). Last evaluated 2026-01-15.

Allele frequency attached by ClinVar (database versions not stated): 1000 Genomes Project 30x 0.00016; gnomAD 0.00032 and 0.00045; gnomAD exomes 0.00049 and 0.00073; ExAC 0.00052; TOPMed 0.00061; ESP Exome Variant Server 0.00080.
gnomAD v4.1: 1,120 of 1,609,700 alleles (0.07%); highest among the groups gnomAD compares: Non-Finnish European, 0.087%; no homozygotes.

Submissions (4):

Labcorp Genetics (formerly Invitae), Labcorp
Classification: Likely benign. Last evaluated: 2026-01-15. Review status: criteria provided, single submitter. Criteria: Invitae Variant Classification Sherloc (09022015). Collection method: clinical testing. Allele origin: germline.

CeGaT Center for Human Genetics Tuebingen
Classification: Likely benign. Last evaluated: 2025-12-01. Review status: criteria provided, single submitter. Criteria: CeGaT Center For Human Genetics Tuebingen Variant Classification Criteria Version 2. Collection method: clinical testing. Allele origin: germline. Affected: yes. Observed: 2 variant alleles.
Comment: CREB3L1: BP4, BP7

Blueprint Genetics
Classification: Likely benign. Last evaluated: 2024-10-18. Review status: criteria provided, single submitter. Criteria: ACMG Guidelines, 2015. Collection method: clinical testing. Allele origin: germline.

Women's Health and Genetics/Laboratory Corporation of America, LabCorp
Classification: Likely benign. Last evaluated: 2024-10-11. Review status: criteria provided, single submitter. Criteria: LabCorp Variant Classification Summary - May 2015. Collection method: clinical testing. Allele origin: germline.